The following is an entry in ClinVar:

NM_004415.4(DSP):c.8193C>G (p.Tyr2731Ter)

Gene: DSP (desmoplakin; plus strand). Cytogenetic location: 6p24.3.
Variant type: single nucleotide variant.
Coding change: c.8193C>G on transcript NM_004415.4 (MANE Select); coding-DNA position 8193, C replaced by G.
Protein change: p.Tyr2731Ter; replaces tyrosine 2731 with a stop codon.
Molecular consequence: nonsense.
Genome position (GRCh38, 1-based): chr6:7,585,455, C>G. VCF-style: chr6-7585455-C-G. GRCh37 (hg19) VCF-style: chr6-7585688-C-G.
Other names: c.6396C>G, p.Tyr2132Ter (NM_001008844.3); c.6864C>G, p.Tyr2288Ter (NM_001319034.2); short protein forms Y2132*, Y2288*, Y2731*.
Identifiers: ClinVar variation 1172846 (VCV001172846.1), dbSNP rs2113704410, ClinGen allele CA362694644.

ClinVar aggregate classification (germline): Likely pathogenic (1 of 4 stars; one submission).

Conditions:
Familial isolated arrhythmogenic right ventricular dysplasia. Identifiers: Orphanet 217656, MedGen C4274968, MONDO:0016342.

Submission:

Women's Health and Genetics/Laboratory Corporation of America, LabCorp
Classification: Likely pathogenic for Familial isolated arrhythmogenic right ventricular dysplasia. Last evaluated: 2021-05-24. Review status: criteria provided, single submitter. Criteria: LabCorp Variant Classification Summary - May 2015. Collection method: clinical testing. Allele origin: germline.
Comment: Variant summary: DSP c.8193C>G (p.Tyr2731X) results in a premature termination codon, predicted to cause a truncation of the encoded protein or absence of the protein due to nonsense mediated decay, which are commonly known mechanisms for disease. The variant was absent in 251444 control chromosomes (gnomAD). To our knowledge, no occurrence of c.8193C>G in individuals affected with Arrhythmogenic Right Ventricular Dysplasia/Cardiomyopathy and no experimental evidence demonstrating its impact on protein function have been reported. No clinical diagnostic laboratories have submitted clinical-significance assessments for this variant to ClinVar after 2014. Based on the evidence outlined above, the variant was classified as likely pathogenic.